The following is an entry in ClinVar:

ClinVar aggregate classification (germline): Pathogenic (1 of 4 stars; one submission).

Conditions:
Nemaline myopathy 2 (NEM2). Also called: Nemaline myopathy 2, autosomal recessive. Identifiers: MedGen C1850569, MONDO:0009725, OMIM 256030.

Submission:

Labcorp Genetics (formerly Invitae), Labcorp
Classification: Pathogenic for Nemaline myopathy 2. Last evaluated: 2023-08-02. Review status: criteria provided, single submitter. Criteria: Invitae Variant Classification Sherloc (09022015). Collection method: clinical testing. Allele origin: germline.
Comment: For these reasons, this variant has been classified as Pathogenic. This variant has not been reported in the literature in individuals affected with NEB-related conditions. This variant is not present in population databases (gnomAD no frequency). This sequence change creates a premature translational stop signal (p.Pro8273Thrfs*10) in the NEB gene. It is expected to result in an absent or disrupted protein product. Loss-of-function variants in NEB are known to be pathogenic (PMID: 25205138).

Literature cited by the submitters: PubMed 25205138.

NM_001164508.2(NEB):c.24710dup (p.Pro8238fs)

Genes: NEB (nebulin; minus strand), RIF1 (replication timing regulatory factor 1; plus strand). Cytogenetic location: 2q23.3.
Variant type: Duplication.
Coding change: c.24710dup on transcript NM_001164508.2 (MANE Select); coding-DNA position 24710, one base duplicated (C; older notation c.24710dupC).
Protein change: p.Pro8238fs; shifts the reading frame from proline 8238.
Molecular consequence: frameshift variant.
Genome position (GRCh38, 1-based): chr2:151,493,408, G duplicated on the plus strand (C on the coding strand, the reverse complement: NEB is on the minus strand). VCF-style (leftmost placement, unchanged base first): chr2-151493407-T-TG. GRCh37 (hg19) VCF-style: chr2-152349921-T-TG.
Other names: c.24710dup, p.Pro8238fs (NM_001164507.2); c.24815dup, p.Pro8273fs (NM_001271208.2); c.19142dup, p.Pro6382fs (NM_004543.5); short protein forms P6382fs, P8273fs, P8238fs.
Identifiers: ClinVar variation 2749353 (VCV002749353.3), dbSNP rs2551726369, ClinGen allele CA2697551069.